The following is an entry in ClinVar:

ClinVar aggregate classification (germline): Uncertain significance (1 of 4 stars; one submission).

Submission:

Labcorp Genetics (formerly Invitae), Labcorp
Classification: Uncertain significance. Last evaluated: 2025-09-03. Review status: criteria provided, single submitter. Criteria: Invitae Variant Classification Sherloc (09022015). Collection method: clinical testing. Allele origin: germline.
Comment: This sequence change falls in intron 9 of the ALPK3 gene. It does not directly change the encoded amino acid sequence of the ALPK3 protein. This variant is not present in population databases (gnomAD no frequency). This variant has not been reported in the literature in individuals affected with ALPK3-related conditions. ClinVar contains an entry for this variant (Variation ID: 1497384). Algorithms developed to predict the effect of sequence changes on RNA splicing suggest that this variant may disrupt the consensus splice site. In summary, the available evidence is currently insufficient to determine the role of this variant in disease. Therefore, it has been classified as a Variant of Uncertain Significance.

NM_020778.5(ALPK3):c.4130-13T>A

Gene: ALPK3 (alpha kinase 3; plus strand). Cytogenetic location: 15q25.3.
Variant type: single nucleotide variant.
Coding change: c.4130-13T>A on transcript NM_020778.5 (MANE Select); 13 bases into the intron before coding-DNA position 4130, T replaced by A.
Molecular consequence: intron variant.
Genome position (GRCh38, 1-based): chr15:84,862,622, T>A. VCF-style: chr15-84862622-T-A. GRCh37 (hg19) VCF-style: chr15-85405853-T-A.
Identifiers: ClinVar variation 1497384 (VCV001497384.8), dbSNP rs2141572504, ClinGen allele CA2573151213.
Genomic context (GRCh38, chr15:84,862,622, plus strand): 5'-TTCCTTCCCTGTGAGCCCCACATTGGTGAGACAGGAGCTCCTGGTCTCCCACATTTCTCC[T>A]GTTCCCCTTCAGTTGGAGAAGAGATTGAGATGACCCCTATGGTGTTTGCTAAGGGTCTGG-3'